The following is an entry in ClinVar:

ClinVar aggregate classification (germline): Uncertain significance (1 of 4 stars; one submission).

Submission:

Labcorp Genetics (formerly Invitae), Labcorp
Classification: Uncertain significance. Last evaluated: 2024-11-11. Review status: criteria provided, single submitter. Criteria: Invitae Variant Classification Sherloc (09022015). Collection method: clinical testing. Allele origin: germline.
Comment: This sequence change replaces valine, which is neutral and non-polar, with methionine, which is neutral and non-polar, at codon 1439 of the POLE protein (p.Val1439Met). This variant is not present in population databases (gnomAD no frequency). This variant has not been reported in the literature in individuals affected with POLE-related conditions. ClinVar contains an entry for this variant (Variation ID: 1043610). Invitae Evidence Modeling of protein sequence and biophysical properties (such as structural, functional, and spatial information, amino acid conservation, physicochemical variation, residue mobility, and thermodynamic stability) indicates that this missense variant is not expected to disrupt POLE protein function with a negative predictive value of 80%. In summary, the available evidence is currently insufficient to determine the role of this variant in disease. Therefore, it has been classified as a Variant of Uncertain Significance.

NM_006231.4(POLE):c.4315G>A (p.Val1439Met)

Gene: POLE (DNA polymerase epsilon, catalytic subunit; minus strand). Cytogenetic location: 12q24.33.
Variant type: single nucleotide variant.
Coding change: c.4315G>A on transcript NM_006231.4 (MANE Select); coding-DNA position 4315, G replaced by A.
Protein change: p.Val1439Met; replaces valine 1439 with methionine.
Molecular consequence: missense variant.
Genome position (GRCh38, 1-based): chr12:132,643,536, C>T on the plus strand (G>A on the coding strand, the complement: POLE is on the minus strand). VCF-style: chr12-132643536-C-T. GRCh37 (hg19) VCF-style: chr12-133220122-C-T.
Other names: short protein forms V1439M.
Identifiers: ClinVar variation 1043610 (VCV001043610.9), dbSNP rs2042204888, ClinGen allele CA387381523.